The following is an entry in ClinVar:

ClinVar aggregate classification (germline): Uncertain significance (1 of 4 stars; one submission).

Allele frequency attached by ClinVar (database versions not stated): gnomAD exomes below 0.00001.
gnomAD v4.1: 3 of 1,610,160 alleles (0.00019%); highest among the groups gnomAD compares: Non-Finnish European, 0.00025%; no homozygotes.

Submission:

Institute for Clinical Genetics, University Hospital TU Dresden, University Hospital TU Dresden
Classification: Uncertain significance. Last evaluated: 2022-10-24. Review status: criteria provided, single submitter. Criteria: ACMG Guidelines, 2015. Collection method: clinical testing. Allele origin: germline.
Comment: PM2_SUP, PP2

NM_000163.5(GHR):c.289G>A (p.Glu97Lys)

Gene: GHR (growth hormone receptor; plus strand). Cytogenetic location: 5p12.
Variant type: single nucleotide variant.
Coding change: c.289G>A on transcript NM_000163.5 (MANE Select); coding-DNA position 289, G replaced by A.
Protein change: p.Glu97Lys; replaces glutamic acid 97 with lysine.
Molecular consequence: missense variant.
Genome position (GRCh38, 1-based): chr5:42,694,939, G>A. VCF-style: chr5-42694939-G-A. GRCh37 (hg19) VCF-style: chr5-42695041-G-A.
Other names: c.310G>A, p.Glu104Lys (NM_001242399.2); c.289G>A, p.Glu97Lys (NM_001242400.2, NM_001242401.4, NM_001242402.2 and 5 more transcripts); c.223G>A, p.Glu75Lys (NM_001242460.2); short protein forms E104K, E75K, E97K.
Identifiers: ClinVar variation 2576042 (VCV002576042.1), dbSNP rs2530669240, ClinGen allele CA359695029.